The following is an entry in ClinVar:

NM_001271.4(CHD2):c.4576A>G (p.Ile1526Val)

Gene: CHD2 (chromodomain helicase DNA binding protein 2; plus strand). Cytogenetic location: 15q26.1.
Variant type: single nucleotide variant.
Coding change: c.4576A>G on transcript NM_001271.4 (MANE Select); coding-DNA position 4576, A replaced by G.
Protein change: p.Ile1526Val; replaces isoleucine 1526 with valine.
Molecular consequence: missense variant.
Genome position (GRCh38, 1-based): chr15:93,009,307, A>G. VCF-style: chr15-93009307-A-G. GRCh37 (hg19) VCF-style: chr15-93552537-A-G.
Other names: short protein forms I1526V.
Identifiers: ClinVar variation 2645726 (VCV002645726.24), dbSNP rs2054360821, ClinGen allele CA393904693.

ClinVar aggregate classification (germline): Uncertain significance (1 of 4 stars; one submission).

Allele frequency attached by ClinVar (database versions not stated): TOPMed below 0.00001.
gnomAD v4.1: 2 of 1,614,108 alleles (0.00012%); highest among the groups gnomAD compares: East Asian, 0.0022%; no homozygotes.

Submission:

CeGaT Center for Human Genetics Tuebingen
Classification: Uncertain significance. Last evaluated: 2022-11-01. Review status: criteria provided, single submitter. Criteria: CeGaT Center For Human Genetics Tuebingen Variant Classification Criteria Version 2. Collection method: clinical testing. Allele origin: germline. Affected: yes. Observed: 1 variant allele.
Comment: CHD2: PM2, BP4